The following is an entry in ClinVar:

NM_030958.3(SLCO5A1):c.106_107del (p.Lys36fs)

Gene: SLCO5A1 (solute carrier organic anion transporter family member 5A1; minus strand). Cytogenetic location: 8q13.3.
Variant type: Deletion.
Coding change: c.106_107del on transcript NM_030958.3 (MANE Select); coding-DNA positions 106 to 107, 2 bases deleted (AA; older notation c.106_107delAA).
Protein change: p.Lys36fs; shifts the reading frame from lysine 36.
Molecular consequence: frameshift variant.
Genome position (GRCh38, 1-based): chr8:69,832,567-69,832,568, TT deleted on the plus strand (AA on the coding strand, the reverse complement: SLCO5A1 is on the minus strand). VCF-style (leftmost placement, unchanged base first): chr8-69832566-CTT-C. GRCh37 (hg19) VCF-style: chr8-70744801-CTT-C.
Other names: c.106_107del, p.Lys36fs (NM_001146008.2, NM_001146009.1); short protein forms K36fs.
Identifiers: ClinVar variation 2886665 (VCV002886665.3), dbSNP rs745641544, ClinGen allele CA4776885.

ClinVar aggregate classification (germline): Uncertain significance (1 of 4 stars; one submission).

Allele frequency attached by ClinVar (database versions not stated): TOPMed 0.00002; gnomAD 0.00007; ExAC 0.00007; gnomAD exomes 0.00016.

Submission:

Labcorp Genetics (formerly Invitae), Labcorp
Classification: Uncertain significance. Last evaluated: 2025-01-30. Review status: criteria provided, single submitter. Criteria: Invitae Variant Classification Sherloc (09022015). Collection method: clinical testing. Allele origin: germline.
Comment: This sequence change creates a premature translational stop signal (p.Lys36Glufs*18) in the SLCO5A1 gene. It is expected to result in an absent or disrupted protein product. However, the current clinical and genetic evidence is not sufficient to establish whether loss-of-function variants in SLCO5A1 cause disease. This variant is present in population databases (rs745641544, gnomAD 0.07%), and has an allele count higher than expected for a pathogenic variant. This variant has not been reported in the literature in individuals affected with SLCO5A1-related conditions. ClinVar contains an entry for this variant (Variation ID: 2886665). In summary, the available evidence is currently insufficient to determine the role of this variant in disease. Therefore, it has been classified as a Variant of Uncertain Significance.